The following is an entry in ClinVar:

NM_022367.4(SEMA4A):c.1434+12C>A

Gene: SEMA4A (semaphorin 4A; plus strand). Cytogenetic location: 1q22.
Variant type: single nucleotide variant.
Coding change: c.1434+12C>A on transcript NM_022367.4 (MANE Select); 12 bases into the intron after coding-DNA position 1434, C replaced by A.
Molecular consequence: intron variant.
Genome position (GRCh38, 1-based): chr1:156,174,952, C>A. VCF-style: chr1-156174952-C-A. GRCh37 (hg19) VCF-style: chr1-156144743-C-A.
Other names: c.927+12C>A (NM_001370571.1, NM_001370569.1); c.1434+12C>A (NM_001193300.2, NM_001193301.2, NM_001370567.1); c.1137+12C>A (NM_001370568.1); c.1038+12C>A (NM_001193302.2).
Identifiers: ClinVar variation 873571 (VCV000873571.15), dbSNP rs114835695, ClinGen allele CA1155361.

ClinVar aggregate classification (germline): Benign/Likely benign. Review status: criteria provided, multiple submitters, no conflicts (2 of 4 stars). 7 submissions from 5 submitters: Benign (4); Likely benign (3). Last evaluated 2026-01-26.

Conditions:
Retinitis pigmentosa (RP). Identifiers: Orphanet 791, MedGen C0035334, MeSH D012174, MONDO:0019200, OMIM 268000. Inheritance: Autosomal dominant, autosomal recessive and X linked inheritance.
Cone-rod dystrophy 10 (CORD10). Identifiers: Orphanet 1872, MedGen C1846529, MONDO:0012464, OMIM 610283.
Retinitis pigmentosa 35 (RP35). Identifiers: Orphanet 791, MedGen C1853214, MONDO:0012463, OMIM 610282.

Allele frequency attached by ClinVar (database versions not stated): gnomAD exomes 0.00120; ExAC 0.00130; gnomAD 0.00461 and 0.00483; TOPMed 0.00502; ESP Exome Variant Server 0.00523; 1000 Genomes Project 0.00579; 1000 Genomes Project 30x 0.00593.
gnomAD v4.1: 1,369 of 1,614,236 alleles (0.085%); highest among the groups gnomAD compares: African/African-American, 1.6%; 16 homozygotes.

Submissions (7):

Labcorp Genetics (formerly Invitae), Labcorp
Classification: Benign. Last evaluated: 2026-01-26. Review status: criteria provided, single submitter. Criteria: Invitae Variant Classification Sherloc (09022015). Collection method: clinical testing. Allele origin: germline.

Blueprint Genetics
Classification: Likely benign. Last evaluated: 2024-10-23. Review status: criteria provided, single submitter. Criteria: ACMG Guidelines, 2015. Collection method: clinical testing. Allele origin: germline.

Genome-Nilou Lab
Classification: Benign for Cone-rod dystrophy 10. Last evaluated: 2023-04-11. Review status: criteria provided, single submitter. Criteria: ACMG Guidelines, 2015. Collection method: clinical testing. Allele origin: germline. Affected: no.

Genome-Nilou Lab
Classification: Benign for Retinitis pigmentosa 35. Last evaluated: 2023-04-11. Review status: criteria provided, single submitter. Criteria: ACMG Guidelines, 2015. Collection method: clinical testing. Allele origin: germline. Affected: no.

Illumina Laboratory Services, Illumina
Classification: Benign for Retinitis pigmentosa. Last evaluated: 2018-01-13. Review status: criteria provided, single submitter. Criteria: ICSL Variant Classification Criteria 13 December 2019. Collection method: clinical testing. Allele origin: germline.
Comment: This variant was observed in the ICSL laboratory as part of a predisposition screen in an ostensibly healthy population. It had not been previously curated by ICSL or reported in the Human Gene Mutation Database (HGMD: prior to June 1st, 2018), and was therefore a candidate for classification through an automated scoring system. Utilizing variant allele frequency, disease prevalence and penetrance estimates, and inheritance mode, an automated score was calculated to assess if this variant is too frequent to cause the disease. Based on the score and internal cut-off values, a variant classified as benign is not then subjected to further curation. The score for this variant resulted in a classification of benign for this disease.

Illumina Laboratory Services, Illumina
Classification: Likely benign for Cone-rod dystrophy 10. Last evaluated: 2018-01-13. Review status: criteria provided, single submitter. Criteria: ICSL Variant Classification Criteria 13 December 2019. Collection method: clinical testing. Allele origin: germline.
Comment: This variant was observed in the ICSL laboratory as part of a predisposition screen in an ostensibly healthy population. It had not been previously curated by ICSL or reported in the Human Gene Mutation Database (HGMD: prior to June 1st, 2018), and was therefore a candidate for classification through an automated scoring system. Utilizing variant allele frequency, disease prevalence and penetrance estimates, and inheritance mode, an automated score was calculated to assess if this variant is too frequent to cause the disease. Based on the score and internal cut-off values, a variant classified as likely benign is not then subjected to further curation. The score for this variant resulted in a classification of likely benign for this disease.

Breakthrough Genomics
Classification: Likely benign. Review status: criteria provided, single submitter. Criteria: ACMG Guidelines, 2015. Collection method: not provided. Allele origin: germline. Inheritance: Autosomal recessive inheritance. Affected: yes.